The following is an entry in ClinVar:

NM_003331.5(TYK2):c.1580G>A (p.Arg527Gln)

Gene: TYK2 (tyrosine kinase 2; minus strand). Cytogenetic location: 19p13.2.
Variant type: single nucleotide variant.
Coding change: c.1580G>A on transcript NM_003331.5 (MANE Select); coding-DNA position 1580, G replaced by A.
Protein change: p.Arg527Gln; replaces arginine 527 with glutamine.
Molecular consequence: missense variant.
Genome position (GRCh38, 1-based): chr19:10,362,353, C>T on the plus strand (G>A on the coding strand, the complement: TYK2 is on the minus strand). VCF-style: chr19-10362353-C-T. GRCh37 (hg19) VCF-style: chr19-10473029-C-T.
Other names: short protein forms R527Q.
Identifiers: ClinVar variation 956730 (VCV000956730.6), dbSNP rs755791270, ClinGen allele CA9193376.
Genomic context (GRCh38, chr19:10,362,353, plus strand): 5'-AGAGAGAAGCAGTCATCCCCGGCCCTCAGCAAGCAGCCCTGCAAGGCAGCCCCAAGTTCC[C>T]GAACGCTGGGGAAGGACCGGCCCCAGCCCTCCAGCACGAAGGCCCCGTCCTGCTGCTCAA-3'
Protein context (NP_003322.3, residues 517-537): EGWGRSFPSV[Arg527Gln]ELGAALQGCL

ClinVar aggregate classification (germline): Uncertain significance (1 of 4 stars; one submission).

Conditions:
Immunodeficiency 35 (IMD35). Also called: Susceptibility to infection due to TYK2 deficiency; HIES WITH ATYPICAL MYCOBACTERIOSIS, AUTOSOMAL RECESSIVE; HYPER-IgE SYNDROME WITH ATYPICAL MYCOBACTERIOSIS, AUTOSOMAL RECESSIVE; TYK2 DEFICIENCY. Identifiers: Orphanet 331226, MedGen C1969086, MONDO:0012682, OMIM 611521.

Allele frequency attached by ClinVar (database versions not stated): gnomAD 0.00001; TOPMed 0.00001; ExAC 0.00003.
gnomAD v4.1: 14 of 1,614,016 alleles (0.00087%); highest among the groups gnomAD compares: Non-Finnish European, 0.0011%; no homozygotes.

Submission:

Labcorp Genetics (formerly Invitae), Labcorp
Classification: Uncertain significance for Immunodeficiency 35. Last evaluated: 2019-09-03. Review status: criteria provided, single submitter. Criteria: Invitae Variant Classification Sherloc (09022015). Collection method: clinical testing. Allele origin: germline.
Comment: In summary, the available evidence is currently insufficient to determine the role of this variant in disease. Therefore, it has been classified as a Variant of Uncertain Significance. Algorithms developed to predict the effect of sequence changes on RNA splicing suggest that this variant may create or strengthen a splice site, but this prediction has not been confirmed by published transcriptional studies. Algorithms developed to predict the effect of missense changes on protein structure and function output the following: SIFT: "Tolerated"; PolyPhen-2: "Benign"; Align-GVGD: "Class C0". The glutamine amino acid residue is found in multiple mammalian species, suggesting that this missense change does not adversely affect protein function. These predictions have not been confirmed by published functional studies and their clinical significance is uncertain. This variant has not been reported in the literature in individuals with TYK2-related conditions. This variant is present in population databases (rs755791270, ExAC 0.02%). This sequence change replaces arginine with glutamine at codon 527 of the TYK2 protein (p.Arg527Gln). The arginine residue is moderately conserved and there is a small physicochemical difference between arginine and glutamine.